The following is an entry in ClinVar:

ClinVar aggregate classification (germline): Uncertain significance. Review status: criteria provided, multiple submitters, no conflicts (2 of 4 stars). 2 submissions from 2 submitters: Uncertain significance (2). Last evaluated 2025-09-11.

Conditions:
GALC-related disorder. Also called: GALC-related condition.
Galactosylceramide beta-galactosidase deficiency. Also called: Leukodystrophy, Globoid Cell; GALACTOCEREBROSIDASE DEFICIENCY; GALC DEFICIENCY; GLOBOID CELL LEUKOENCEPHALOPATHY; Krabbe Disease. Identifiers: Orphanet 487, MedGen C0023521, MONDO:0009499, OMIM 245200.

Allele frequency attached by ClinVar (database versions not stated): TOPMed below 0.00001.
gnomAD v4.1: 3 of 1,586,600 alleles (0.00019%); highest among the groups gnomAD compares: Middle Eastern, 0.017%; no homozygotes.

Submissions (2):

PreventionGenetics, part of Exact Sciences
Classification: Uncertain significance for GALC-related condition. Last evaluated: 2025-09-11. Review status: criteria provided, single submitter. Criteria: ACMG Guidelines, 2015. Collection method: clinical testing. Allele origin: germline.
Comment: The GALC c.68C>T variant is predicted to result in the amino acid substitution p.Ser23Leu. To our knowledge, this variant has not been reported in the literature or in a large population database (gnomAD), indicating this variant is rare. At this time, the clinical significance of this variant is uncertain due to the absence of conclusive functional and genetic evidence.

Labcorp Genetics (formerly Invitae), Labcorp
Classification: Uncertain significance for Galactosylceramide beta-galactosidase deficiency. Last evaluated: 2023-10-06. Review status: criteria provided, single submitter. Criteria: Invitae Variant Classification Sherloc (09022015). Collection method: clinical testing. Allele origin: germline.
Comment: This sequence change replaces serine, which is neutral and polar, with leucine, which is neutral and non-polar, at codon 23 of the GALC protein (p.Ser23Leu). This variant is not present in population databases (gnomAD no frequency). This variant has not been reported in the literature in individuals affected with GALC-related conditions. ClinVar contains an entry for this variant (Variation ID: 1935729). Advanced modeling of protein sequence and biophysical properties (such as structural, functional, and spatial information, amino acid conservation, physicochemical variation, residue mobility, and thermodynamic stability) performed at Invitae indicates that this missense variant is not expected to disrupt GALC protein function. In summary, the available evidence is currently insufficient to determine the role of this variant in disease. Therefore, it has been classified as a Variant of Uncertain Significance.

NM_000153.4(GALC):c.68C>T (p.Ser23Leu)

Gene: GALC (galactosylceramidase; minus strand). Cytogenetic location: 14q31.3.
Variant type: single nucleotide variant.
Coding change: c.68C>T on transcript NM_000153.4 (MANE Select); coding-DNA position 68, C replaced by T.
Protein change: p.Ser23Leu; replaces serine 23 with leucine.
Molecular consequence: missense variant. On other transcripts: intron variant (1).
Genome position (GRCh38, 1-based): chr14:87,993,097, G>A on the plus strand (C>T on the coding strand, the complement: GALC is on the minus strand). VCF-style: chr14-87993097-G-A. GRCh37 (hg19) VCF-style: chr14-88459441-G-A.
Other names: c.68C>T (NM_000153.3); c.68C>T, p.Ser23Leu (NM_001201401.2); c.117+286C>T (NM_001201402.2); short protein forms S23L.
Identifiers: ClinVar variation 1935729 (VCV001935729.6), dbSNP rs1001311606, ClinGen allele CA265469458.